The following is an entry in ClinVar:

ClinVar aggregate classification (germline): Uncertain significance (1 of 4 stars; one submission).

Conditions:
Developmental and epileptic encephalopathy, 34 (DEE34). Also called: SLC12A5-Related Epilepsy of Infancy with Migrating Focal Seizures; Early infantile epileptic encephalopathy 34. Identifiers: Orphanet 293181, MedGen C4225257, MONDO:0014718, OMIM 616645.

Submission:

Labcorp Genetics (formerly Invitae), Labcorp
Classification: Uncertain significance for Developmental and epileptic encephalopathy, 34. Last evaluated: 2023-11-17. Review status: criteria provided, single submitter. Criteria: Invitae Variant Classification Sherloc (09022015). Collection method: clinical testing. Allele origin: germline.
Comment: This sequence change replaces isoleucine, which is neutral and non-polar, with phenylalanine, which is neutral and non-polar, at codon 153 of the SLC12A5 protein (p.Ile153Phe). This variant is not present in population databases (gnomAD no frequency). This variant has not been reported in the literature in individuals affected with SLC12A5-related conditions. Advanced modeling of protein sequence and biophysical properties (such as structural, functional, and spatial information, amino acid conservation, physicochemical variation, residue mobility, and thermodynamic stability) performed at Invitae indicates that this missense variant is expected to disrupt SLC12A5 protein function with a positive predictive value of 80%. In summary, the available evidence is currently insufficient to determine the role of this variant in disease. Therefore, it has been classified as a Variant of Uncertain Significance.

NM_020708.5(SLC12A5):c.457A>T (p.Ile153Phe)

Gene: SLC12A5 (solute carrier family 12 member 5; plus strand). Cytogenetic location: 20q13.12.
Variant type: single nucleotide variant.
Coding change: c.457A>T on transcript NM_020708.5 (MANE Select); coding-DNA position 457, A replaced by T.
Protein change: p.Ile153Phe; replaces isoleucine 153 with phenylalanine.
Molecular consequence: missense variant.
Genome position (GRCh38, 1-based): chr20:46,036,771, A>T. VCF-style: chr20-46036771-A-T. GRCh37 (hg19) VCF-style: chr20-44665410-A-T.
Other names: c.526A>T, p.Ile176Phe (NM_001134771.2); short protein forms I153F, I176F.
Identifiers: ClinVar variation 2696452 (VCV002696452.3), dbSNP rs2515634305, ClinGen allele CA409188317.